The following is an entry in ClinVar:

NM_001204.6(BMPR2):c.(?_-1)_(76+1_77-1)del

Genes: BMPR2 (bone morphogenetic protein receptor type 2; plus strand), LOC129935435 (ATAC-STARR-seq lymphoblastoid active region 17001; plus strand). Cytogenetic location: 2q33.1.
Variant type: Deletion.
Coding change: c.(?_-1)_(76+1_77-1)del on transcript NM_001204.6; a large deletion whose breakpoints are not mapped to the base.
Other names: c.1-?_76+?del (NM_001204.6).
Identifiers: ClinVar variation 425671 (VCV000425671.1).

ClinVar aggregate classification (germline): Pathogenic (0 of 4 stars; one submission).

Conditions:
Pulmonary hypertension, primary, 1 (PPH1). Also called: Pulmonary hypertension, familial primary, 1, with or without HHT. Identifiers: Orphanet 422, MedGen C4552070, MONDO:0024533, OMIM 178600.

Submission:

Rare Disease Genomics Group, St George's University of London
Classification: Pathogenic for Primary pulmonary hypertension. Review status: no assertion criteria provided. Collection method: literature only. Allele origin: germline. Affected: yes.
Comment: Deletion of exon 1

Literature cited by the submitters: PubMed 11115378; PubMed 16429403; PubMed 23298310; PubMed 26387786.